The following is an entry in ClinVar:

NM_032776.3(JMJD1C):c.2327C>G (p.Thr776Ser)

Gene: JMJD1C (jumonji domain containing 1C; minus strand). Cytogenetic location: 10q21.3.
Variant type: single nucleotide variant.
Coding change: c.2327C>G on transcript NM_032776.3 (MANE Select); coding-DNA position 2327, C replaced by G.
Protein change: p.Thr776Ser; replaces threonine 776 with serine.
Molecular consequence: missense variant. On other transcripts: non-coding transcript variant (1).
Genome position (GRCh38, 1-based): chr10:63,213,840, G>C on the plus strand (C>G on the coding strand, the complement: JMJD1C is on the minus strand). VCF-style: chr10-63213840-G-C. GRCh37 (hg19) VCF-style: chr10-64973600-G-C.
Other names: c.1781C>G, p.Thr594Ser (NM_001282948.2, NM_001318154.2); c.1463C>G, p.Thr488Ser (NM_001318153.2); c.2213C>G, p.Thr738Ser (NM_001322252.2); c.1670C>G, p.Thr557Ser (NM_001322254.2, NM_001322258.2); short protein forms T738S, T488S, T557S, T776S, T594S.
Identifiers: ClinVar variation 2129806 (VCV002129806.5), dbSNP rs1564619634, ClinGen allele CA377045355.
Genomic context (GRCh38, chr10:63,213,840, plus strand): 5'-AGTAAATGAGGGTGATGAACAGCATGGTGTGGACCACTAGTCAGAGGATGAGTGTTAATG[G>C]TAGGTAATGGAGTTTGACTAGATGATCCGGCTAGTAAATGGGGTGCAGGAGTTAAGGCAG-3'
Protein context (NP_116165.1, residues 766-786): AGSSSQTPLP[Thr776Ser]INTHPLTSGP

ClinVar aggregate classification (germline): Uncertain significance. Review status: criteria provided, multiple submitters, no conflicts (2 of 4 stars). 2 submissions from 2 submitters: Uncertain significance (2). Last evaluated 2022-12-15.

Conditions:
Early Myoclonic Encephalopathy. Identifiers: MedGen C0270855.

Allele frequency attached by ClinVar (database versions not stated): gnomAD exomes below 0.00001.
gnomAD v4.1: 1 of 1,614,004 alleles (0.000062%); highest among the groups gnomAD compares: Non-Finnish European, 0.000085%; no homozygotes.

Submissions (2):

Ambry Genetics
Classification: Uncertain significance. Last evaluated: 2022-12-15. Review status: criteria provided, single submitter. Criteria: Ambry Variant Classification Scheme 2023. Collection method: clinical testing. Allele origin: germline.

Labcorp Genetics (formerly Invitae), Labcorp
Classification: Uncertain significance for Early Myoclonic Encephalopathy. Last evaluated: 2022-04-23. Review status: criteria provided, single submitter. Criteria: Invitae Variant Classification Sherloc (09022015). Collection method: clinical testing. Allele origin: germline.
Comment: Algorithms developed to predict the effect of missense changes on protein structure and function output the following: SIFT: "Tolerated"; PolyPhen-2: "Benign"; Align-GVGD: "Class C0". The serine amino acid residue is found in multiple mammalian species, which suggests that this missense change does not adversely affect protein function. In summary, the available evidence is currently insufficient to determine the role of this variant in disease. Therefore, it has been classified as a Variant of Uncertain Significance. This variant has not been reported in the literature in individuals affected with JMJD1C-related conditions. This variant is not present in population databases (gnomAD no frequency). This sequence change replaces threonine, which is neutral and polar, with serine, which is neutral and polar, at codon 776 of the JMJD1C protein (p.Thr776Ser).